The following is an entry in ClinVar:

NM_001303256.3(MORC2):c.860G>T (p.Arg287Leu)

Gene: MORC2 (MORC family CW-type zinc finger 2; minus strand). Cytogenetic location: 22q12.2.
Variant type: single nucleotide variant.
Coding change: c.860G>T on transcript NM_001303256.3 (MANE Select); coding-DNA position 860, G replaced by T.
Protein change: p.Arg287Leu; replaces arginine 287 with leucine.
Molecular consequence: missense variant.
Genome position (GRCh38, 1-based): chr22:30,940,802, C>A on the plus strand (G>T on the coding strand, the complement: MORC2 is on the minus strand). VCF-style: chr22-30940802-C-A. GRCh37 (hg19) VCF-style: chr22-31336789-C-A.
Other names: c.860G>T, p.Arg287Leu (NM_001303257.2); c.674G>T, p.Arg225Leu (NM_014941.3); short protein forms R225L, R287L.
Identifiers: ClinVar variation 4875267 (VCV004875267.2).
Genomic context (GRCh38, chr22:30,940,802, plus strand): 5'-CCCAGAGTGGCATTACCAATCCTTGCTACGTGCTCTGCTTTCTTCACCTCCTGCTCCGCA[C>A]GGGTCTTGAAACGGCTTGACGTGTACTTGTACATCCTGATCAGTAGAAAAAGCAAGCTGA-3'
Protein context (NP_001290185.1, residues 277-297): YKYTSSRFKT[Arg287Leu]AEQEVKKAEH

ClinVar aggregate classification (germline): Uncertain significance (1 of 4 stars; one submission).

Submission:

CeGaT Center for Human Genetics Tuebingen
Classification: Uncertain significance. Last evaluated: 2026-06-01. Review status: criteria provided, single submitter. Criteria: CeGaT Center For Human Genetics Tuebingen Variant Classification Criteria Version 2. Collection method: clinical testing. Allele origin: germline. Affected: yes. Observed: 1 variant allele.
Comment: MORC2: PM2